The following is an entry in ClinVar:

ClinVar aggregate classification (germline): other (0 of 4 stars; one submission).

Conditions:
Familial colorectal cancer. Identifiers: MedGen CN280943, MONDO:0023113. Disease mechanism: loss of function.

Allele frequency attached by ClinVar (database versions not stated): gnomAD 0.01827 and 0.01785; TOPMed 0.02018; 1000 Genomes Project 30x 0.03295; 1000 Genomes Project 0.03295.
gnomAD v4.1: 2,782 of 152,270 alleles (1.8%); highest among the groups gnomAD compares: East Asian, 8.1%; 33 homozygotes.

Submission:

Systems Biology Platform Zhejiang California International NanoSystems Institute
Classification: other for Familial colorectal cancer. Review status: no assertion criteria provided. Collection method: not provided. Allele origin: unknown.
ClinVar note: Converted during submission from cancer to other.

NM_000038.6(APC):c.834+1462A>G

Gene: APC (APC regulator of WNT signaling pathway; plus strand). Cytogenetic location: 5q22.2.
Variant type: single nucleotide variant.
Coding change: c.834+1462A>G on transcript NM_000038.6 (MANE Select); 1462 bases into the intron after coding-DNA position 834, A replaced by G.
Molecular consequence: intron variant.
Genome position (GRCh38, 1-based): chr5:112,802,845, A>G. VCF-style: chr5-112802845-A-G. GRCh37 (hg19) VCF-style: chr5-112138542-A-G.
Other names: c.834+1462A>G (NM_001354895.2, NM_001127510.3, NM_001354896.2 and 1 more transcripts); c.864+1462A>G (NM_001354897.2, NM_001354902.2); c.780+1462A>G (NM_001127511.3); c.759+1462A>G (NM_001354898.2, NM_001354904.2); c.-202+1462A>G (NM_001354906.2); c.750+1462A>G (NM_001354899.2); c.657+1462A>G (NM_001354900.2, NM_001354901.2, NM_001354905.2).
Identifiers: ClinVar variation 82515 (VCV000082515.2), dbSNP rs77744608, ClinGen allele CA014599.